The following is an entry in ClinVar:

ClinVar aggregate classification (germline): Uncertain significance (1 of 4 stars; one submission).

Conditions:
Cardiomyopathy (CMYO). Also called: Cardiomyopathies. Identifiers: Orphanet 167848, MedGen C0878544, MONDO:0004994, HP:0001638. Inheritance: Various modes of inheritance.

Submission:

Color Diagnostics, LLC DBA Color Health
Classification: Uncertain significance for Cardiomyopathy. Last evaluated: 2024-03-06. Review status: criteria provided, single submitter. Criteria: ACMG Guidelines, 2015. Collection method: clinical testing. Allele origin: germline.
Comment: This missense variant replaces proline with serine at codon 581 of the DSG2 protein. Computational prediction suggests that this variant may not impact protein structure and function (internally defined REVEL score threshold <= 0.5, PMID: 27666373). To our knowledge, functional studies have not been reported for this variant. This variant has not been reported in individuals affected with cardiovascular disorders in the literature. This variant has not been identified in the general population by the Genome Aggregation Database (gnomAD). The available evidence is insufficient to determine the role of this variant in disease conclusively. Therefore, this variant is classified as a Variant of Uncertain Significance.

NM_001943.5(DSG2):c.1741C>T (p.Pro581Ser)

Gene: DSG2 (desmoglein 2; plus strand). Cytogenetic location: 18q12.1.
Variant type: single nucleotide variant.
Coding change: c.1741C>T on transcript NM_001943.5 (MANE Select); coding-DNA position 1741, C replaced by T.
Protein change: p.Pro581Ser; replaces proline 581 with serine.
Molecular consequence: missense variant.
Genome position (GRCh38, 1-based): chr18:31,538,840, C>T. VCF-style: chr18-31538840-C-T. GRCh37 (hg19) VCF-style: chr18-29118803-C-T.
Other names: short protein forms P581S.
Identifiers: ClinVar variation 2775230 (VCV002775230.2), dbSNP rs2510918953, ClinGen allele CA402137371.